The following is an entry in ClinVar:

NM_014847.4(UBAP2L):c.1588_1590del (p.Ser530del)

Gene: UBAP2L (ubiquitin associated protein 2 like; plus strand). Cytogenetic location: 1q21.3.
Variant type: Deletion.
Coding change: c.1588_1590del on transcript NM_014847.4 (MANE Select); coding-DNA positions 1588 to 1590, 3 bases deleted (TCT; older notation c.1588_1590delTCT).
Protein change: p.Ser530del; deletes serine 530.
Genome position (GRCh38, 1-based): chr1:154,251,577-154,251,579, TCT deleted; deleting any 3 consecutive bases within chr1:154,251,576-154,251,579 gives the same sequence; the c. name uses the placement nearest the transcript's 3' end. VCF-style (leftmost placement, unchanged base first): chr1-154251575-TTTC-T. GRCh37 (hg19) VCF-style: chr1-154224051-TTTC-T.
Other names: c.1588_1590del, p.Ser530del (NM_001127320.3, NM_001375614.1, NM_001375615.1 and 14 more transcripts); c.1567_1569del, p.Ser523del (NM_001287815.1); c.1621_1623del, p.Ser541del (NM_001287816.1, NM_001330730.1, NM_001375612.1 and 2 more transcripts); short protein forms S530del, S541del, S523del.
Identifiers: ClinVar variation 3572655 (VCV003572655.1).

ClinVar aggregate classification (germline): Uncertain significance (1 of 4 stars; one submission).

Submission:

GeneDx
Classification: Uncertain significance. Last evaluated: 2024-07-11. Review status: criteria provided, single submitter. Criteria: GeneDx Variant Classification Process June 2021. Collection method: clinical testing. Allele origin: germline. Affected: yes.
Comment: Not observed at significant frequency in large population cohorts (gnomAD); In-frame deletion of 1 amino acid in a non-repeat region; In silico analysis supports a deleterious effect on protein structure/function; Has not been previously published as pathogenic or benign to our knowledge